The following is an entry in ClinVar:

ClinVar aggregate classification (germline): Likely benign (1 of 4 stars; one submission).

Conditions:
ITPR1-related disorder. Also called: ITPR1-related condition.

gnomAD v4.1: 2 of 1,558,788 alleles (0.00013%); highest among the groups gnomAD compares: Non-Finnish European, 0.00017%; no homozygotes.

Submission:

PreventionGenetics, part of Exact Sciences
Classification: Likely benign for ITPR1-related condition. Last evaluated: 2026-03-10. Review status: criteria provided, single submitter. Criteria: ACMG Guidelines, 2015. Collection method: clinical testing. Allele origin: germline.
Comment: This variant is classified as likely benign based on ACMG/AMP sequence variant interpretation guidelines (Richards et al. 2015 PMID: 25741868, with internal and published modifications).

NM_001378452.1(ITPR1):c.4923A>G (p.Arg1641=)

Genes: BRRIAR (BHLHE40 and RIG-I regulating ITPR1 antisense RNA; minus strand), ITPR1 (inositol 1,4,5-trisphosphate receptor type 1; plus strand). Cytogenetic location: 3p26.1.
Variant type: single nucleotide variant.
Coding change: c.4923A>G on transcript NM_001378452.1 (MANE Select); coding-DNA position 4923, A replaced by G.
Protein change: p.Arg1641=; no amino-acid change (arginine 1641 retained).
Molecular consequence: synonymous variant.
Genome position (GRCh38, 1-based): chr3:4,710,405, A>G. VCF-style: chr3-4710405-A-G. GRCh37 (hg19) VCF-style: chr3-4752089-A-G.
Other names: c.4896A>G, p.Arg1632= (NM_001099952.4); c.4878A>G, p.Arg1626= (NM_001168272.2); c.4851A>G, p.Arg1617= (NM_002222.7).
Identifiers: ClinVar variation 4984057 (VCV004984057.1).